The following is an entry in ClinVar:

NM_000176.3(NR3C1):c.1764C>T (p.His588=)

Gene: NR3C1 (nuclear receptor subfamily 3 group C member 1; minus strand). Cytogenetic location: 5q31.3.
Variant type: single nucleotide variant.
Coding change: c.1764C>T on transcript NM_000176.3 (MANE Select); coding-DNA position 1764, C replaced by T.
Protein change: p.His588=; no amino-acid change (histidine 588 retained).
Molecular consequence: synonymous variant. On other transcripts: non-coding transcript variant (1).
Genome position (GRCh38, 1-based): chr5:143,298,796, G>A on the plus strand (C>T on the coding strand, the complement: NR3C1 is on the minus strand). VCF-style: chr5-143298796-G-A. GRCh37 (hg19) VCF-style: chr5-142678361-G-A.
Other names: c.1764C>T, p.His588= (NM_001018074.1, NM_001018075.1, NM_001018076.2 and 6 more transcripts); c.1767C>T, p.His589= (NM_001024094.2, NM_001364183.2, NM_001364184.2 and 1 more transcripts); c.1686C>T, p.His562= (NM_001204258.2); c.1509C>T, p.His503= (NM_001204259.2); c.1497C>T, p.His499= (NM_001204260.2); c.1473C>T, p.His491= (NM_001204261.2); c.819C>T, p.His273= (NM_001204262.2); c.774C>T, p.His258= (NM_001204263.2); and 1 more.
Identifiers: ClinVar variation 351368 (VCV000351368.14), dbSNP rs6194, ClinGen allele CA3486806.

ClinVar aggregate classification (germline): Benign. Review status: criteria provided, multiple submitters, no conflicts (2 of 4 stars). 2 submissions from 2 submitters: Benign (2). Last evaluated 2026-01-19.

Conditions:
Glucocorticoid resistance. Also called: Glucocorticoid resistance, generalized; Gccr deficiency; Glucocorticoid receptor deficiency; Cortisol resistance from glucocorticoid receptor defect; Gcr deficiency. Identifiers: Orphanet 786, MedGen C1841972, MONDO:0014421, OMIM 615962.

Allele frequency attached by ClinVar (database versions not stated): ESP Exome Variant Server 0.00015; TOPMed 0.00314; gnomAD 0.00372 and 0.00485; ExAC 0.00778; gnomAD exomes 0.00836; 1000 Genomes Project 30x 0.01874; 1000 Genomes Project 0.01977.
gnomAD v4.1: 5,723 of 1,613,416 alleles (0.35%); highest among the groups gnomAD compares: East Asian, 7%; 150 homozygotes.

Submissions (2):

Labcorp Genetics (formerly Invitae), Labcorp
Classification: Benign. Last evaluated: 2026-01-19. Review status: criteria provided, single submitter. Criteria: Invitae Variant Classification Sherloc (09022015). Collection method: clinical testing. Allele origin: germline.

Illumina Laboratory Services, Illumina
Classification: Benign for Glucocorticoid resistance. Last evaluated: 2018-01-13. Review status: criteria provided, single submitter. Criteria: ICSL Variant Classification Criteria 13 December 2019. Collection method: clinical testing. Allele origin: germline.
Comment: This variant was observed in the ICSL laboratory as part of a predisposition screen in an ostensibly healthy population. It had not been previously curated by ICSL or reported in the Human Gene Mutation Database (HGMD: prior to June 1st, 2018), and was therefore a candidate for classification through an automated scoring system. Utilizing variant allele frequency, disease prevalence and penetrance estimates, and inheritance mode, an automated score was calculated to assess if this variant is too frequent to cause the disease. Based on the score and internal cut-off values, a variant classified as benign is not then subjected to further curation. The score for this variant resulted in a classification of benign for this disease.